The following is an entry in ClinVar:

NM_001378418.1(TCF20):c.4017_4020dup (p.Ile1341fs)

Gene: TCF20 (transcription factor 20; minus strand). Cytogenetic location: 22q13.2.
Variant type: Duplication.
Coding change: c.4017_4020dup on transcript NM_001378418.1 (MANE Select); coding-DNA positions 4017 to 4020, 4 bases duplicated (CAAA; older notation c.4017_4020dupCAAA).
Protein change: p.Ile1341fs; shifts the reading frame from isoleucine 1341.
Molecular consequence: frameshift variant.
Genome position (GRCh38, 1-based): chr22:42,211,286-42,211,289, TTTG duplicated on the plus strand (CAAA on the coding strand, the reverse complement: TCF20 is on the minus strand). VCF-style (leftmost placement, unchanged base first): chr22-42211285-T-TTTTG. GRCh37 (hg19) VCF-style: chr22-42607291-T-TTTTG.
Other names: c.4017_4020dup, p.Ile1341fs (NM_005650.4, NM_181492.3); short protein forms I1341fs.
Identifiers: ClinVar variation 1285572 (VCV001285572.1), dbSNP rs2147202143, ClinGen allele CA2499226199.

ClinVar aggregate classification (germline): Likely pathogenic (1 of 4 stars; one submission).

Conditions:
Developmental delay with variable intellectual impairment and behavioral abnormalities. Identifiers: MedGen C5193092, MONDO:0032745, OMIM 618430.

Submission:

Institute of Human Genetics, University of Leipzig Medical Center
Classification: Likely pathogenic for Developmental delay with variable intellectual impairment and behavioral abnormalities. Last evaluated: 2020-09-10. Review status: criteria provided, single submitter. Criteria: ACMG Guidelines, 2015. Collection method: clinical testing. Allele origin: de novo. Affected: yes.
Comment: This variant was identified as de novo (maternity and paternity confirmed).